The following is an entry in ClinVar:

ClinVar aggregate classification (germline): Pathogenic. Review status: criteria provided, multiple submitters, no conflicts (2 of 4 stars). 2 submissions from 2 submitters: Pathogenic (2). Last evaluated 2022-09-23.

Conditions:
Spastic paraplegia. Identifiers: MedGen C0037772, HP:0001258.

Submissions (2):

Labcorp Genetics (formerly Invitae), Labcorp
Classification: Pathogenic for Spastic paraplegia. Last evaluated: 2022-09-23. Review status: criteria provided, single submitter. Criteria: Invitae Variant Classification Sherloc (09022015). Collection method: clinical testing. Allele origin: germline.
Comment: This sequence change affects a donor splice site in intron 4 of the VAMP1 gene. RNA analysis indicates that disruption of this splice site induces altered splicing and likely disrupts the C-terminus of the protein. This variant is not present in population databases (gnomAD no frequency). Disruption of this splice site has been observed in individuals with autosomal dominant VAMP1-related conditions (PMID: 22958904). It has also been observed to segregate with disease in related individuals. Variants that disrupt the consensus splice site are a relatively common cause of aberrant splicing (PMID: 17576681, 9536098). Studies have shown that disruption of this splice site results in activation of a cryptic splice site and introduces a new termination codon (PMID: 22958904). However the mRNA is not expected to undergo nonsense-mediated decay. For these reasons, this variant has been classified as Pathogenic.

Athena Diagnostics
Classification: Pathogenic. Last evaluated: 2022-02-15. Review status: criteria provided, single submitter. Criteria: Athena Diagnostics Criteria. Collection method: clinical testing. Allele origin: unknown.
Comment: This variant is expected to severely impact normal RNA splicing, and consequently, protein structure and/or function. This variant occurs at the same position as another variant considered to be pathogenic (PMID: 22958904), strongly indicating this variant may also cause disease. This variant has been identified in at least one individual tested at Athena Diagnostics with clinical features associated with this gene. This variant has not been reported in large, multi-ethnic general populations.

Literature cited by the submitters: PubMed 22958904 (cited by Labcorp Genetics (formerly Invitae), Labcorp and Athena Diagnostics); PubMed 17576681 (cited by Labcorp Genetics (formerly Invitae), Labcorp); PubMed 9536098 (cited by Labcorp Genetics (formerly Invitae), Labcorp).

NM_014231.5(VAMP1):c.340+2T>A

Genes: TAPBPL (TAP binding protein like; plus strand), VAMP1 (vesicle associated membrane protein 1; minus strand). Cytogenetic location: 12p13.31.
Variant type: single nucleotide variant.
Coding change: c.340+2T>A on transcript NM_014231.5 (MANE Select); the canonical splice donor site of the intron after coding-DNA position 340, T replaced by A.
Molecular consequence: splice donor variant. On other transcripts: missense variant (1).
Genome position (GRCh38, 1-based): chr12:6,464,888, A>T on the plus strand (T>A on the coding strand, the complement: VAMP1 is on the minus strand). VCF-style: chr12-6464888-A-T. GRCh37 (hg19) VCF-style: chr12-6574054-A-T.
Other names: c.342T>A, p.Ser114Arg (NM_199245.3); c.340+2T>A (NM_016830.4, NM_001297438.2); short protein forms S114R.
Identifiers: ClinVar variation 1806955 (VCV001806955.6), dbSNP rs878854975, ClinGen allele CA383558659.